The following continues an entry in ClinVar:

NM_000492.4(CFTR):c.2657+2_2657+3insA

Gene: CFTR. ClinVar aggregate classification (germline): Uncertain significance. Uncertain significance (1).

Submissions 8 to 20 of 20:

GeneDx
Classification: Likely pathogenic. Last evaluated: 2024-09-23. Review status: criteria provided, single submitter. Criteria: GeneDx Variant Classification Process June 2021. Collection method: clinical testing. Allele origin: germline. Affected: yes. Not counted in ClinVar's aggregate classification.
Comment: Published functional studies are inconclusive: minimal effect on CFTR splicing with generation of correctly spliced CFTR transcript close to wild type levels in two different cell lines; CFTR protein levels comparable to wild type (PMID: 23974870, 25066652); Classified as a variant of varying clinical consequence in a well-curated database (CFTR2); In silico analysis supports a deleterious effect on splicing; This variant is associated with the following publications: (PMID: 20144563, 12167682, 12000363, 31420175, 33957545, 31036917, 26014425, 23974870, 25066652, 11101688, 16189704, 27214204, 24586523, 15754262, 31611131, 33085659, 26708955, 23168765, 18195584, 36207272, 35623009, 34782259, 37867076)

Fulgent Genetics
Classification: Likely pathogenic for Hereditary pancreatitis; Bronchiectasis with or without elevated sweat chloride 1; Cystic fibrosis; Congenital bilateral aplasia of vas deferens from CFTR mutation. Last evaluated: 2024-06-21. Review status: criteria provided, single submitter. Criteria: ACMG Guidelines, 2015. Collection method: clinical testing. Allele origin: germline. Not counted in ClinVar's aggregate classification.

Quest Diagnostics Nichols Institute San Juan Capistrano
Classification: Uncertain significance. Last evaluated: 2024-03-22. Review status: criteria provided, single submitter. Criteria: Quest Diagnostics criteria. Collection method: clinical testing. Allele origin: unknown. Not counted in ClinVar's aggregate classification.
Comment: The CFTR c.2657+2_2657+3insA variant has been reported in the published literature with another pathogenic CFTR variant in individuals affected with cystic fibrosis (CF) (PMID: 15754262 (2005), 16189704 (2005), 20031113 (2010), 24586523 (2014), 27837951 (2016), 31420175 (2019)), nonclassic CF (PMID: 12167682 (2002)), as well as CFTR-related disorders (CFTR-RD) (PMID: 11101688 (2000)). In addition, functional studies report this variant does not affect CFTR mRNA splicing and retains residual CFTR function (PMID: 23974870 (2013), 25066652 (2014), 33085659 (2020)). The frequency of this variant in the general population, 0.00024 (12/50808 chromosomes (Genome Aggregation Database)), is uninformative in the assessment of its pathogenicity. Based on the available information, we are unable to determine the clinical significance of this variant.

Baylor Genetics
Classification: Likely pathogenic for Bronchiectasis with or without elevated sweat chloride 1. Last evaluated: 2024-03-01. Review status: criteria provided, single submitter. Criteria: ACMG Guidelines, 2015. Collection method: clinical testing. Allele origin: unknown. Not counted in ClinVar's aggregate classification.

Blueprint Genetics
Classification: Pathogenic for CFTR-related disorders. Last evaluated: 2023-12-14. Review status: criteria provided, single submitter. Criteria: ACMG Guidelines, 2015. Collection method: clinical testing. Allele origin: germline. Affected: yes. Observed: 5 variant alleles. Not counted in ClinVar's aggregate classification.

Mayo Clinic Laboratories, Mayo Clinic
Classification: Likely pathogenic. Last evaluated: 2022-10-04. Review status: criteria provided, single submitter. Criteria: ACMG Guidelines, 2015. Collection method: clinical testing. Allele origin: germline. Observed: 4 variant alleles. Not counted in ClinVar's aggregate classification.
Comment: PM2, PM3_strong

Genetics and Molecular Pathology, SA Pathology
Classification: Pathogenic for Cystic fibrosis. Last evaluated: 2021-07-02. Review status: criteria provided, single submitter. Criteria: ACMG Guidelines, 2015. Collection method: clinical testing. Allele origin: germline. Inheritance: Autosomal recessive inheritance. Affected: yes. Not counted in ClinVar's aggregate classification.

Johns Hopkins Genomics, Johns Hopkins University
Classification: Uncertain significance for Cystic fibrosis. Last evaluated: 2019-10-15. Review status: criteria provided, single submitter. Criteria: ACMG Guidelines, 2015. Collection method: clinical testing. Allele origin: germline. Not counted in ClinVar's aggregate classification.
Comment: CFTR sequence variant of uncertain clinical significance (previously reported for this patient by mass spectrometry genotyping). See CFTR2 for phenotype information.

Mendelics
Classification: Uncertain significance for Cystic fibrosis. Last evaluated: 2018-11-05. Review status: criteria provided, single submitter. Criteria: Mendelics Assertion Criteria 2017. Collection method: clinical testing. Allele origin: unknown. Affected: yes. Not counted in ClinVar's aggregate classification.

CFTR-France
Classification: Pathogenic for CFTR-related disorders. Last evaluated: 2018-01-29. Review status: criteria provided, single submitter. Criteria: Claustres M et al. (Hum Mutat 2017). Collection method: curation. Allele origin: germline. Affected: yes. Not counted in ClinVar's aggregate classification.

Eurofins Ntd Llc (ga)
Classification: Pathogenic. Last evaluated: 2017-05-15. Review status: criteria provided, single submitter. Criteria: EGL Classification Definitions. Collection method: clinical testing. Allele origin: germline. Observed: 10 variant alleles, 10 heterozygotes. Not counted in ClinVar's aggregate classification.

Women's Health and Genetics/Laboratory Corporation of America, LabCorp
Classification: Likely pathogenic for Cystic fibrosis. Last evaluated: 2016-12-15. Review status: criteria provided, single submitter. Criteria: LabCorp Variant Classification Summary - May 2015. Collection method: clinical testing. Allele origin: germline. Not counted in ClinVar's aggregate classification.
Comment: Variant summary: The CFTR c.2657+2_2657+3insA variant, alternatively also known as 2789+2insA, is an intronic variant causing insertion of adenine in intron 16 in proximity of the splice donor site. Mutation Taster predicts a damaging outcome for this variant. In addition, 4/5 splice prediction tools predict abrogation of utilization of the splice donor site. Two independent functional studies by minigene assay show that this variant only causes intermediate skipping of exon (i.e. partial exon skipping) (Sosnay_2013, Sharma_2014). Relative amount of properly spliced RNA transcript and fully process protein generated by CFTR minigenes transfected into two human cell lines (HEK and CFBE41o-) were 717.3% and 808.3%, respectively (Sosnay_2013). The exon 16 (residues 874-886) encodes part of ABC transporter transmembrane region and thus its skipping is expected to be deleterious for protein function. In literature, this variant is widely reported as a pathogenic variant and is reported to cause non-classic CF with consistent genotype-phenotype data. In Caucasian CF population in US the variants allele frequency was 0.1% (Schrijver_2016). This variant was found in 2/121402 control chromosomes from ExAC, only observed in the European (Non-Finnish) subpopulation at a frequency of 0.003% (2/66738). Thus, this variant is clearly overrepresented in patient population in comparison to controls in population of European origin, strongly supporting for pathogenicity. One clinical laboratory has classified this variant as pathogenic. Considering all evidences, this variant is currently classified as likely pathogenic.

Department of Pathology and Laboratory Medicine, Sinai Health System
Classification: Likely pathogenic. Review status: no assertion criteria provided. Collection method: clinical testing. Allele origin: unknown. Affected: yes. Study: The Canadian Open Genetics Repository (COGR). Not counted in ClinVar's aggregate classification.
Comment: The CFTR c.2657+2insA variant was identified in multiple cases of cystic fibrosis as well as a obstructive ozoospermia case; in most cases the variant was found as a compound heterozygous variant with the deltaF508Del variant (Zietkiewicz_2014_PMID:24586523, Giacobbe_2012_PMID:23168765; Jezequel_2000_PMID:11101688; Visich_2002_PMID:12000363). The variant was identified in dbSNP (ID: rs397508414), ClinVar (classified as pathogenic by EGL Diagnostics, as likely pathogenic by Integrated Genetics and Invitae, and as uncertain significance by John Hopkins Genomics and Mendelics). The variant was identified in control databases in 18 of 282868 chromosomes at a frequency of 0.00006363 (Genome Aggregation Database March 6, 2019, v2.1.1). The variant was observed in the following populations: European (non-Finnish) in 17 of 129184 chromosomes (freq: 0.000132) and African in 1 of 24964 chromosomes (freq: 0.00004), but was not observed in the Latino, Ashkenazi Jewish, East Asian, European (Finnish), Other, or South Asian populations. The c.2657+2insA variant is predicted to cause abnormal splicing because the nucleotide substitution occurs in the invariant region of the splice consensus sequence and in silico or computational prediction software programs (SpliceSiteFinder, MaxEntScan, NNSPLICE, GeneSplicer) predict the loss of the canonical 5' splice site. However, functional analysis of this variant using minigene assays revealed minimal effects on splicing (Sharma_2014_PMID:25066652; Sosnay_2013_PMID:23974870). In summary, based on the above information the clinical significance of this variant cannot be determined with certainty at this time although we would lean towards a more pathogenic role for this variant. This variant is classified as likely pathogenic.

Literature cited by the submitters: PubMed 11101688 (cited by 4 submitters); PubMed 12167682 (cited by 3 submitters); PubMed 16189704 (cited by 6 submitters); PubMed 18195584 (cited by 3 submitters); PubMed 23974870 (cited by 4 submitters); PubMed 24586523 (cited by 6 submitters); PubMed 17576681 (cited by Labcorp Genetics (formerly Invitae), Labcorp); PubMed 9536098 (cited by Labcorp Genetics (formerly Invitae), Labcorp); PubMed 25066652 (cited by 4 submitters); PubMed 17283574 (cited by Natera, Inc. and Quest Diagnostics Nichols Institute San Juan Capistrano); PubMed 20031113 (cited by Natera, Inc. and Quest Diagnostics Nichols Institute San Juan Capistrano); PubMed 29884450 (cited by Natera, Inc.); PubMed 29944384 (cited by Natera, Inc.); PubMed 32265339 (cited by Natera, Inc.); PubMed 15754262 (cited by Ambry Genetics and Quest Diagnostics Nichols Institute San Juan Capistrano); PubMed 27662103 (cited by Quest Diagnostics Nichols Institute San Juan Capistrano); PubMed 27837951 (cited by Quest Diagnostics Nichols Institute San Juan Capistrano); PubMed 31036917 (cited by Quest Diagnostics Nichols Institute San Juan Capistrano); PubMed 26708955 (cited by Quest Diagnostics Nichols Institute San Juan Capistrano and Women's Health and Genetics/Laboratory Corporation of America, LabCorp); PubMed 26277102 (cited by Quest Diagnostics Nichols Institute San Juan Capistrano); PubMed 33085659 (cited by Quest Diagnostics Nichols Institute San Juan Capistrano); PubMed 35623009 (cited by Quest Diagnostics Nichols Institute San Juan Capistrano and Mayo Clinic Laboratories, Mayo Clinic); PubMed 31420175 (cited by Quest Diagnostics Nichols Institute San Juan Capistrano); PubMed 34782259 (cited by Quest Diagnostics Nichols Institute San Juan Capistrano); PubMed 33160331 (cited by Mayo Clinic Laboratories, Mayo Clinic); PubMed 20144563 (cited by Women's Health and Genetics/Laboratory Corporation of America, LabCorp); PubMed 26014425 (cited by Women's Health and Genetics/Laboratory Corporation of America, LabCorp); PubMed 12000363 (cited by Women's Health and Genetics/Laboratory Corporation of America, LabCorp); PubMed 23168765 (cited by Women's Health and Genetics/Laboratory Corporation of America, LabCorp).